The following is an entry in ClinVar:

NM_005654.6(NR2F1):c.962G>A (p.Cys321Tyr)

Gene: NR2F1 (nuclear receptor subfamily 2 group F member 1; plus strand). Cytogenetic location: 5q15.
Variant type: single nucleotide variant.
Coding change: c.962G>A on transcript NM_005654.6 (MANE Select); coding-DNA position 962, G replaced by A.
Protein change: p.Cys321Tyr; replaces cysteine 321 with tyrosine.
Molecular consequence: missense variant.
Genome position (GRCh38, 1-based): chr5:93,588,415, G>A. VCF-style: chr5-93588415-G-A. GRCh37 (hg19) VCF-style: chr5-92924121-G-A.
Other names: c.512G>A, p.Cys171Tyr (NM_001410754.1); short protein forms C171Y, C321Y.
Identifiers: ClinVar variation 4849659 (VCV004849659.1).

ClinVar aggregate classification (germline): Likely pathogenic (1 of 4 stars; one submission).

Conditions:
Bosch-Boonstra-Schaaf optic atrophy syndrome (BBSOAS). Also called: NR2F1-Related Neurodevelopmental Disorder. Identifiers: Orphanet 401777, MedGen C3810363, MONDO:0014320, OMIM 615722.

Submission:

Institute of Immunology and Genetics Kaiserslautern
Classification: Likely pathogenic for Bosch-Boonstra-Schaaf optic atrophy syndrome. Last evaluated: 2026-03-04. Review status: criteria provided, single submitter. Criteria: ACMG Guidelines, 2015. Collection method: clinical testing. Allele origin: de novo. Affected: yes.
Comment: ACMG Criteria: PS2, PM2_P, PP3; Variant was found in heterozygous state. De novo-status was confirmed via in-house segregation analysis.